The following is an entry in ClinVar:

NM_001365999.1(SZT2):c.9999G>A (p.Trp3333Ter)

Genes: SZT2-AS1 (SZT2 antisense RNA 1; minus strand), SZT2 (SZT2 subunit of KICSTOR complex; plus strand). Cytogenetic location: 1p34.2.
Variant type: single nucleotide variant.
Coding change: c.9999G>A on transcript NM_001365999.1 (MANE Select); coding-DNA position 9999, G replaced by A.
Protein change: p.Trp3333Ter; replaces tryptophan 3333 with a stop codon.
Molecular consequence: nonsense. On other transcripts: non-coding transcript variant (1).
Genome position (GRCh38, 1-based): chr1:43,448,641, G>A. VCF-style: chr1-43448641-G-A. GRCh37 (hg19) VCF-style: chr1-43914312-G-A.
Other names: c.9828G>A, p.Trp3276Ter (NM_015284.4); short protein forms W3276*, W3333*.
Identifiers: ClinVar variation 663500 (VCV000663500.6), dbSNP rs980459888, ClinGen allele CA21653617.

ClinVar aggregate classification (germline): Pathogenic (1 of 4 stars; one submission).

Allele frequency attached by ClinVar (database versions not stated): gnomAD 0.00001; gnomAD exomes 0.00001; TOPMed 0.00001.
gnomAD v4.1: 14 of 1,614,036 alleles (0.00087%); highest among the groups gnomAD compares: Non-Finnish European, 0.0012%; no homozygotes.

Submission:

Labcorp Genetics (formerly Invitae), Labcorp
Classification: Pathogenic. Last evaluated: 2023-07-31. Review status: criteria provided, single submitter. Criteria: Invitae Variant Classification Sherloc (09022015). Collection method: clinical testing. Allele origin: germline.
Comment: For these reasons, this variant has been classified as Pathogenic. This variant has not been reported in the literature in individuals affected with SZT2-related conditions. ClinVar contains an entry for this variant (Variation ID: 663500). This sequence change creates a premature translational stop signal (p.Trp3276*) in the SZT2 gene. It is expected to result in an absent or disrupted protein product. Loss-of-function variants in SZT2 are known to be pathogenic (PMID: 23932106, 27248490, 28556953). This variant is not present in population databases (gnomAD no frequency).

Literature cited by the submitters: PubMed 23932106; PubMed 27248490; PubMed 28556953.